The following is an entry in ClinVar:

NM_015047.3(EMC1):c.737A>G (p.Gln246Arg)

Genes: EMC1 (ER membrane protein complex subunit 1; minus strand), EMC1-AS1 (EMC1 antisense RNA 1; plus strand). Cytogenetic location: 1p36.13.
Variant type: single nucleotide variant.
Coding change: c.737A>G on transcript NM_015047.3 (MANE Select); coding-DNA position 737, A replaced by G.
Protein change: p.Gln246Arg; replaces glutamine 246 with arginine.
Molecular consequence: missense variant. On other transcripts: non-coding transcript variant (1).
Genome position (GRCh38, 1-based): chr1:19,240,346, T>C on the plus strand (A>G on the coding strand, the complement: EMC1 is on the minus strand). VCF-style: chr1-19240346-T-C. GRCh37 (hg19) VCF-style: chr1-19566840-T-C.
Other names: c.737A>G (NM_015047.1); c.737A>G, p.Gln246Arg (NM_001271427.2, NM_001271428.2, NM_001375820.1 and 1 more transcripts); c.671A>G, p.Gln224Arg (NM_001271429.2); short protein forms Q224R, Q246R.
Identifiers: ClinVar variation 848967 (VCV000848967.12), dbSNP rs200901424, ClinGen allele CA338768927.

ClinVar aggregate classification (germline): Uncertain significance. Review status: criteria provided, multiple submitters, no conflicts (2 of 4 stars). 2 submissions from 2 submitters: Uncertain significance (2). Last evaluated 2025-04-10.

Conditions:
Inborn genetic diseases. Identifiers: MedGen C0950123, MeSH D030342.

gnomAD v4.1: 4 of 1,614,198 alleles (0.00025%); highest among the groups gnomAD compares: Non-Finnish European, 0.00034%; no homozygotes.

Submissions (2):

Ambry Genetics
Classification: Uncertain significance for Inborn genetic diseases. Last evaluated: 2025-04-10. Review status: criteria provided, single submitter. Criteria: Ambry Variant Classification Scheme 2023. Collection method: clinical testing. Allele origin: germline.

Labcorp Genetics (formerly Invitae), Labcorp
Classification: Uncertain significance. Last evaluated: 2022-03-18. Review status: criteria provided, single submitter. Criteria: Invitae Variant Classification Sherloc (09022015). Collection method: clinical testing. Allele origin: germline.
Comment: This sequence change replaces glutamine, which is neutral and polar, with arginine, which is basic and polar, at codon 246 of the EMC1 protein (p.Gln246Arg). This variant is not present in population databases (gnomAD no frequency). This variant has not been reported in the literature in individuals affected with EMC1-related conditions. ClinVar contains an entry for this variant (Variation ID: 848967). Algorithms developed to predict the effect of missense changes on protein structure and function (SIFT, PolyPhen-2, Align-GVGD) all suggest that this variant is likely to be tolerated. In summary, the available evidence is currently insufficient to determine the role of this variant in disease. Therefore, it has been classified as a Variant of Uncertain Significance.